The following is an entry in ClinVar:

ClinVar aggregate classification (germline): Uncertain significance (1 of 4 stars; one submission).

Conditions:
Long QT syndrome (LQTS). Identifiers: MedGen C0023976, MeSH D008133, MONDO:0002442. Disease mechanism: loss of function. Inheritance: Various modes of inheritance.

Submission:

Labcorp Genetics (formerly Invitae), Labcorp
Classification: Uncertain significance for Long QT syndrome. Last evaluated: 2022-06-13. Review status: criteria provided, single submitter. Criteria: Invitae Variant Classification Sherloc (09022015). Collection method: clinical testing. Allele origin: germline.
Comment: This sequence change creates a premature translational stop signal (p.Thr1958Hisfs*84) in the CACNA1C gene. While this is not anticipated to result in nonsense mediated decay, it is expected to disrupt the last 181 amino acid(s) of the CACNA1C protein. In summary, the available evidence is currently insufficient to determine the role of this variant in disease. Therefore, it has been classified as a Variant of Uncertain Significance. Experimental studies and prediction algorithms are not available or were not evaluated, and the functional significance of this variant is currently unknown. This variant has not been reported in the literature in individuals affected with CACNA1C-related conditions. This variant is not present in population databases (gnomAD no frequency).

NM_000719.7(CACNA1C):c.5872del (p.Thr1958fs)

Genes: CACNA1C (calcium voltage-gated channel subunit alpha1 C; plus strand), CACNA1C-AS1 (CACNA1C antisense RNA 1; minus strand). Cytogenetic location: 12p13.33.
Variant type: Deletion.
Coding change: c.5872del on transcript NM_000719.7 (MANE Select); coding-DNA position 5872, one base deleted (A; older notation c.5872delA).
Protein change: p.Thr1958fs; shifts the reading frame from threonine 1958.
Molecular consequence: frameshift variant.
Genome position (GRCh38, 1-based): chr12:2,688,534, A deleted. VCF-style (leftmost placement, unchanged base first): chr12-2688533-CA-C. GRCh37 (hg19) VCF-style: chr12-2797699-CA-C.
Other names: c.5956del, p.Thr1986fs (NM_001129831.2); c.5932del, p.Thr1978fs (NM_001129832.2); c.5929del, p.Thr1977fs (NM_001129833.2, NM_001129834.2, NM_001129835.2); c.5923del, p.Thr1975fs (NM_001129836.2); c.5896del, p.Thr1966fs (NM_001129837.2, NM_001129838.2); c.5890del, p.Thr1964fs (NM_001129839.2); c.5872del, p.Thr1958fs (NM_001129840.2, NM_001129841.2, NM_001129842.2 and 2 more transcripts); c.5863del, p.Thr1955fs (NM_001129844.2); and 6 more; short protein forms T1955fs, T1958fs, T1966fs, T1993fs, T2041fs, T1947fs, T1978fs, T2006fs.
Identifiers: ClinVar variation 2005500 (VCV002005500.4), dbSNP rs2534834208, ClinGen allele CA2580085133.
Genomic context (GRCh38, chr12:2,688,533, plus strand): 5'-CCTCCTCCAGAGAAGCCATTCCCCTGCCTCATTCCCTAGGCCTTTTGCCACCCCACCAGC[CA>C]CACCTGGCAGCCGAGGCTGGCCCCCACAGCCCGTCCCCACCCTGCGGCTTGAGGGGGTCG-3'